The following is an entry in ClinVar:

ClinVar aggregate classification (germline): Uncertain significance (1 of 4 stars; one submission).

Allele frequency attached by ClinVar (database versions not stated): gnomAD 0.00002; gnomAD exomes 0.00002; ExAC 0.00023.
gnomAD v4.1: 33 of 1,549,366 alleles (0.0021%); highest among the groups gnomAD compares: South Asian, 0.037%; no homozygotes.

Submission:

Labcorp Genetics (formerly Invitae), Labcorp
Classification: Uncertain significance. Last evaluated: 2022-06-27. Review status: criteria provided, single submitter. Criteria: Invitae Variant Classification Sherloc (09022015). Collection method: clinical testing. Allele origin: germline.
Comment: This sequence change replaces glycine, which is neutral and non-polar, with alanine, which is neutral and non-polar, at codon 598 of the EYS protein (p.Gly598Ala). This variant is present in population databases (rs761990691, gnomAD 0.04%). This variant has not been reported in the literature in individuals affected with EYS-related conditions. Algorithms developed to predict the effect of missense changes on protein structure and function are either unavailable or do not agree on the potential impact of this missense change (SIFT: "Deleterious"; PolyPhen-2: "Benign"; Align-GVGD: "Class C0"). In summary, the available evidence is currently insufficient to determine the role of this variant in disease. Therefore, it has been classified as a Variant of Uncertain Significance.

NM_001142800.2(EYS):c.1793G>C (p.Gly598Ala)

Gene: EYS (eyes shut homolog; minus strand). Cytogenetic location: 6q12.
Variant type: single nucleotide variant.
Coding change: c.1793G>C on transcript NM_001142800.2 (MANE Select); coding-DNA position 1793, G replaced by C.
Protein change: p.Gly598Ala; replaces glycine 598 with alanine.
Molecular consequence: missense variant.
Genome position (GRCh38, 1-based): chr6:65,296,093, C>G on the plus strand (G>C on the coding strand, the complement: EYS is on the minus strand). VCF-style: chr6-65296093-C-G. GRCh37 (hg19) VCF-style: chr6-66005986-C-G.
Other names: c.1793G>C, p.Gly598Ala (NM_001292009.2); short protein forms G598A.
Identifiers: ClinVar variation 2147265 (VCV002147265.1), dbSNP rs761990691, ClinGen allele CA3877369.